The following is an entry in ClinVar:

ClinVar aggregate classification (germline): Uncertain significance (1 of 4 stars; one submission).

gnomAD v4.1: 50 of 1,613,990 alleles (0.0031%); highest among the groups gnomAD compares: East Asian, 0.013%; no homozygotes.

Submission:

Labcorp Genetics (formerly Invitae), Labcorp
Classification: Uncertain significance. Last evaluated: 2022-07-28. Review status: criteria provided, single submitter. Criteria: Invitae Variant Classification Sherloc (09022015). Collection method: clinical testing. Allele origin: germline.
Comment: This sequence change replaces arginine, which is basic and polar, with tryptophan, which is neutral and slightly polar, at codon 552 of the COL27A1 protein (p.Arg552Trp). This variant is present in population databases (rs199557870, gnomAD 0.02%). This variant has not been reported in the literature in individuals affected with COL27A1-related conditions. Advanced modeling of protein sequence and biophysical properties (such as structural, functional, and spatial information, amino acid conservation, physicochemical variation, residue mobility, and thermodynamic stability) performed at Invitae indicates that this missense variant is not expected to disrupt COL27A1 protein function. In summary, the available evidence is currently insufficient to determine the role of this variant in disease. Therefore, it has been classified as a Variant of Uncertain Significance.

NM_032888.4(COL27A1):c.1654C>T (p.Arg552Trp)

Gene: COL27A1 (collagen type XXVII alpha 1 chain; plus strand). Cytogenetic location: 9q32.
Variant type: single nucleotide variant.
Coding change: c.1654C>T on transcript NM_032888.4 (MANE Select); coding-DNA position 1654, C replaced by T.
Protein change: p.Arg552Trp; replaces arginine 552 with tryptophan.
Molecular consequence: missense variant.
Genome position (GRCh38, 1-based): chr9:114,169,209, C>T. VCF-style: chr9-114169209-C-T. GRCh37 (hg19) VCF-style: chr9-116931489-C-T.
Other names: short protein forms R552W.
Identifiers: ClinVar variation 2201017 (VCV002201017.1), dbSNP rs199557870, ClinGen allele CA5201442.